The following is an entry in ClinVar:

ClinVar aggregate classification (germline): Uncertain significance (1 of 4 stars; one submission).

Submission:

Labcorp Genetics (formerly Invitae), Labcorp
Classification: Uncertain significance. Last evaluated: 2025-04-30. Review status: criteria provided, single submitter. Criteria: Invitae Variant Classification Sherloc (09022015). Collection method: clinical testing. Allele origin: germline.
Comment: This sequence change replaces alanine, which is neutral and non-polar, with threonine, which is neutral and polar, at codon 204 of the KLF10 protein (p.Ala204Thr). This variant is present in population databases (rs370640000, gnomAD 0.006%). This missense change has been observed in individual(s) with hypertrophic cardiomyopathy (PMID: 22234868). An algorithm developed to predict the effect of missense changes on protein structure and function outputs the following: PolyPhen-2: "Benign". The threonine amino acid residue is found in multiple mammalian species, which suggests that this missense change does not adversely affect protein function. Experimental studies have shown that this missense change affects KLF10 function (PMID: 22234868). In summary, the available evidence is currently insufficient to determine the role of this variant in disease. Therefore, it has been classified as a Variant of Uncertain Significance.

Literature cited by the submitters: PubMed 22234868.

NM_005655.4(KLF10):c.610G>A (p.Ala204Thr)

Gene: KLF10 (KLF transcription factor 10; minus strand). Cytogenetic location: 8q22.3.
Variant type: single nucleotide variant.
Coding change: c.610G>A on transcript NM_005655.4 (MANE Select); coding-DNA position 610, G replaced by A.
Protein change: p.Ala204Thr; replaces alanine 204 with threonine.
Molecular consequence: missense variant.
Genome position (GRCh38, 1-based): chr8:102,651,722, C>T on the plus strand (G>A on the coding strand, the complement: KLF10 is on the minus strand). VCF-style: chr8-102651722-C-T. GRCh37 (hg19) VCF-style: chr8-103663950-C-T.
Other names: c.577G>A, p.Ala193Thr (NM_001032282.4); short protein forms A193T, A204T.
Identifiers: ClinVar variation 4811484 (VCV004811484.1).
Genomic context (GRCh38, chr8:102,651,722, plus strand): 5'-CTTTCTCATCAACATCTGCCACTGTGTTTCTCTCACATTTGGATCTGTTTGGTGACACAG[C>T]GGCACATGGTATGTTCTTTCTTGCAGCCTCAACATTTAGGTGGGTTCTTCTTCTAAAAGA-3'
Protein context (NP_005646.1, residues 194-214): EAARKNIPCA[Ala204Thr]VSPNRSKCER